The following is an entry in ClinVar:

NM_001206744.2(TPO):c.2386+2T>G

Genes: LALTOP (lung cancer associated lncRNA targeting TOP2A; minus strand), TPO (thyroid peroxidase; plus strand). Cytogenetic location: 2p25.3.
Variant type: single nucleotide variant.
Coding change: c.2386+2T>G on transcript NM_001206744.2 (MANE Select); the canonical splice donor site of the intron after coding-DNA position 2386, T replaced by G.
Molecular consequence: splice donor variant.
Genome position (GRCh38, 1-based): chr2:1,496,767, T>G. VCF-style: chr2-1496767-T-G. GRCh37 (hg19) VCF-style: chr2-1500539-T-G.
Other names: c.2386+2T>G (NM_000547.6, NM_175721.3); c.2215+2T>G (NM_175719.4, NM_001206745.2); c.1867+2T>G (NM_175722.3).
Identifiers: ClinVar variation 2910136 (VCV002910136.3), dbSNP rs2546280571, ClinGen allele CA345700015.

ClinVar aggregate classification (germline): Likely pathogenic (1 of 4 stars; one submission).

Allele frequency attached by ClinVar (database versions not stated): gnomAD exomes below 0.00001.
gnomAD v4.1: 1 of 1,614,124 alleles (0.000062%); highest among the groups gnomAD compares: Non-Finnish European, 0.000085%; no homozygotes.

Submission:

Labcorp Genetics (formerly Invitae), Labcorp
Classification: Likely pathogenic. Last evaluated: 2023-03-14. Review status: criteria provided, single submitter. Criteria: Invitae Variant Classification Sherloc (09022015). Collection method: clinical testing. Allele origin: germline.
Comment: In summary, the currently available evidence indicates that the variant is pathogenic, but additional data are needed to prove that conclusively. Therefore, this variant has been classified as Likely Pathogenic. Algorithms developed to predict the effect of sequence changes on RNA splicing suggest that this variant may disrupt the consensus splice site. Disruption of this splice site has been observed in individual(s) with congenital hypothyroidism (PMID: 30240412). This variant is not present in population databases (gnomAD no frequency). This sequence change affects a donor splice site in intron 13 of the TPO gene. It is expected to disrupt RNA splicing. Variants that disrupt the donor or acceptor splice site typically lead to a loss of protein function (PMID: 16199547), and loss-of-function variants in TPO are known to be pathogenic (PMID: 11061528, 23236987, 25564141).

Literature cited by the submitters: PubMed 30240412; PubMed 16199547; PubMed 11061528; PubMed 23236987; PubMed 25564141.